The following is an entry in ClinVar:

ClinVar aggregate classification (germline): Pathogenic/Likely pathogenic. Review status: criteria provided, multiple submitters, no conflicts (2 of 4 stars). 3 submissions from 3 submitters: Pathogenic (1); Likely pathogenic (2). Last evaluated 2025-09-02.

Conditions:
Autosomal recessive polycystic kidney disease (ARPKD). Also called: AR polycystic kidney disease. Identifiers: Orphanet 731, Orphanet 8378, MedGen C0085548, MeSH D017044, MONDO:0009889.
Polycystic kidney disease 4 (PKD4). Also called: Autosomal Recessive Polycystic Kidney Disease – PKHD1; POLYCYSTIC KIDNEY AND HEPATIC DISEASE 1; POLYCYSTIC KIDNEY DISEASE, INFANTILE, TYPE I; PKD3; POLYCYSTIC KIDNEY DISEASE 4 WITH OR WITHOUT POLYCYSTIC LIVER DISEASE. Identifiers: MedGen C4540575, MONDO:0033004, OMIM 263200.

Allele frequency attached by ClinVar (database versions not stated): TOPMed below 0.00001; gnomAD exomes below 0.00001.

Submissions (3):

Natera, Inc.
Classification: Likely pathogenic for Autosomal recessive polycystic kidney disease. Last evaluated: 2025-09-02. Review status: criteria provided, single submitter. Criteria: Natera Variant Classification Schema (03/2026). Collection method: clinical testing. Allele origin: germline.
Comment: The c.5441dupA variant in PKHD1 is a frameshift variant predicted to shift the reading frame beginning at codon 1814 and leads to a stop codon 7 codons downstream. This variant is expected to result in nonsense mediated decay, truncation, or a dysfunctional protein product. This variant is rare in the general population with a frequency below the threshold expected for the associated phenotype(s). Given the available evidence, this variant is classified as Likely Pathogenic.

Myriad Genetics, Inc.
Classification: Pathogenic for Polycystic kidney disease 4. Last evaluated: 2025-05-08. Review status: criteria provided, single submitter. Criteria: Myriad Autosomal Dominant, Autosomal Recessive and X-Linked Classification Criteria (2023). Collection method: clinical testing. Allele origin: unknown.
Comment: NM_138694.3(PKHD1):c.5441dupA(H1814Qfs*7) is expected to be pathogenic in the context of autosomal recessive polycystic kidney disease, PKHD1-related. This variant is predicted to lead to an abnormal or absent protein product due to the creation of a premature termination codon in PKHD1, a gene where loss-of-function variants are known to be pathogenic. Please note: this variant was assessed in the context of healthy population screening.

Baylor Genetics
Classification: Likely pathogenic for Polycystic kidney disease 4. Review status: criteria provided, single submitter. Criteria: ACMG Guidelines, 2015. Collection method: clinical testing. Allele origin: germline.

NM_138694.4(PKHD1):c.5441dup (p.His1814fs)

Gene: PKHD1 (PKHD1 ciliary IPT domain containing fibrocystin/polyductin; minus strand). Cytogenetic location: 6p12.2.
Variant type: Duplication.
Coding change: c.5441dup on transcript NM_138694.4 (MANE Select); coding-DNA position 5441, one base duplicated (A; older notation c.5441dupA).
Protein change: p.His1814fs; shifts the reading frame from histidine 1814.
Molecular consequence: frameshift variant.
Genome position (GRCh38, 1-based): chr6:52,017,569, T duplicated on the plus strand (A on the coding strand, the reverse complement: PKHD1 is on the minus strand). VCF-style (leftmost placement, unchanged base first): chr6-52017568-G-GT. GRCh37 (hg19) VCF-style: chr6-51882366-G-GT.
Other names: c.5441dup, p.His1814fs (NM_170724.3); c.5441dupA (NM_138694.3); short protein forms H1814fs.
Identifiers: ClinVar variation 813382 (VCV000813382.3), dbSNP rs908880474, ClinGen allele CA138936317.